The following is an entry in ClinVar:

NM_006891.4(CRYGD):c.134T>C (p.Leu45Pro)

Genes: CRYGD (crystallin gamma D; minus strand), LOC100507443 (uncharacterized LOC100507443; plus strand). Cytogenetic location: 2q33.3.
Variant type: single nucleotide variant.
Coding change: c.134T>C on transcript NM_006891.4 (MANE Select); coding-DNA position 134, T replaced by C.
Protein change: p.Leu45Pro; replaces leucine 45 with proline.
Molecular consequence: missense variant.
Genome position (GRCh38, 1-based): chr2:208,124,230, A>G on the plus strand (T>C on the coding strand, the complement: CRYGD is on the minus strand). VCF-style: chr2-208124230-A-G. GRCh37 (hg19) VCF-style: chr2-208988954-A-G.
Other names: c.134T>C (NM_006891.3); short protein forms L45P.
Identifiers: ClinVar variation 191146 (VCV000191146.2), dbSNP rs786205546, ClinGen allele CA236116.

ClinVar aggregate classification (germline): Likely pathogenic. Review status: criteria provided, single submitter (1 of 4 stars). 2 submissions from 2 submitters: Likely pathogenic (1). 1 of the submissions does not count toward it.

Conditions:
CRYGD-related disorder. Also called: CRYGD-related condition.

Submissions (2):

Genomic Medicine Center of Excellence, King Faisal Specialist Hospital and Research Centre
Classification: Likely pathogenic. Review status: criteria provided, single submitter. Criteria: ACMG Guidelines, 2015. Collection method: research. Allele origin: germline. Affected: yes.

PreventionGenetics, part of Exact Sciences
Classification: Likely pathogenic for CRYGD-related condition. Last evaluated: 2024-06-03. Review status: no assertion criteria provided. Collection method: clinical testing. Allele origin: germline. Not counted in ClinVar's aggregate classification.
Comment: The CRYGD c.134T>C variant is predicted to result in the amino acid substitution p.Leu45Pro. This variant was reported in both the heterozygous and homozygous states in patients with pediatric cataracts (Patient 10DG0870 in Patel et al. 2017. PubMed ID: 27878435; Patient S#2 in Li et al. 2018. PubMed ID: 29914532). This variant has not been reported in a large population database, indicating this variant is rare. This variant is interpreted as likely pathogenic.